The following is an entry in ClinVar:

ClinVar aggregate classification (germline): Likely pathogenic (1 of 4 stars; one submission).

Conditions:
Retinitis pigmentosa 3. Also called: CHOROIDORETINAL DEGENERATION WITH RETINAL REFLEX IN HETEROZYGOUS WOMEN. Identifiers: Orphanet 791, MedGen C1845667, MONDO:0010227, OMIM 300029.

Submission:

Institute of Human Genetics, University of Leipzig Medical Center
Classification: Likely pathogenic for Retinitis pigmentosa 3. Last evaluated: 2019-07-16. Review status: criteria provided, single submitter. Criteria: ACMG Guidelines, 2015. Collection method: clinical testing. Allele origin: germline. Affected: yes. Observed: 1 variant allele.
Comment: This variant was identified as hemizygous

NM_001034853.2(RPGR):c.469_469+5del

Gene: RPGR (retinitis pigmentosa GTPase regulator; minus strand). Cytogenetic location: Xp11.4.
Variant type: Deletion.
Coding change: c.469_469+5del on transcript NM_001034853.2 (MANE Select); coding-DNA position 469 through 5 bases into the intron after coding-DNA position 469, 6 bases deleted (GGTGAG; older notation c.469_469+5delGGTGAG).
Molecular consequence: splice donor variant.
Genome position (GRCh38, 1-based): chrX:38,318,824-38,318,829, CTCACC deleted on the plus strand (GGTGAG on the coding strand, the reverse complement: RPGR is on the minus strand). VCF-style (leftmost placement, unchanged base first): chrX-38318823-TCTCACC-T. GRCh37 (hg19) VCF-style: chrX-38178076-TCTCACC-T.
Other names: c.466_466+5del (NM_001367249.1); c.469_469+5del (NM_001367250.1, NM_001367245.1, NM_001367251.1 and 3 more transcripts); c.499_499+5del (NM_001367248.1).
Identifiers: ClinVar variation 975990 (VCV000975990.1), dbSNP rs2067875112, ClinGen allele CA1139667475.